The following is an entry in ClinVar:

NM_005993.5(TBCD):c.3137C>A (p.Thr1046Lys)

Gene: TBCD (tubulin folding cofactor D). Cytogenetic location: 17q25.3.
Variant type: single nucleotide variant.
Coding change: c.3137C>A on transcript NM_005993.5 (MANE Select); coding-DNA position 3137, C replaced by A.
Protein change: p.Thr1046Lys; replaces threonine 1046 with lysine.
Molecular consequence: missense variant.
Genome position (GRCh38, 1-based): chr17:82,932,681, C>A. VCF-style: chr17-82932681-C-A. GRCh37 (hg19) VCF-style: chr17-80890557-C-A.
Other names: c.3086C>A, p.Thr1029Lys (NM_001411101.1); c.3056C>A, p.Thr1019Lys (NM_001411102.1); short protein forms T1019K, T1029K, T1046K.
Identifiers: ClinVar variation 2504395 (VCV002504395.1), dbSNP rs541191622, ClinGen allele CA401635441.

ClinVar aggregate classification (germline): Uncertain significance (1 of 4 stars; one submission).

gnomAD v4.1: 56 of 1,613,794 alleles (0.0035%); highest among the groups gnomAD compares: Non-Finnish European, 0.0046%; no homozygotes.

Submission:

GeneDx
Classification: Uncertain significance. Last evaluated: 2022-12-05. Review status: criteria provided, single submitter. Criteria: GeneDx Variant Classification Process June 2021. Collection method: clinical testing. Allele origin: germline. Affected: yes.
Comment: Not observed at significant frequency in large population cohorts (gnomAD); In silico analysis supports that this missense variant does not alter protein structure/function; Has not been previously published as pathogenic or benign to our knowledge